The following is an entry in ClinVar:

NM_001374828.1(ARID1B):c.606G>A (p.Gln202=)

Genes: ARID1B (AT-rich interaction domain 1B; plus strand), LOC115308161 (uncharacterized LOC115308161; minus strand). Cytogenetic location: 6q25.3.
Variant type: single nucleotide variant.
Coding change: c.606G>A on transcript NM_001374828.1 (MANE Select); coding-DNA position 606, G replaced by A.
Protein change: p.Gln202=; no amino-acid change (glutamine 202 retained).
Molecular consequence: synonymous variant. On other transcripts: non-coding transcript variant (1).
Genome position (GRCh38, 1-based): chr6:156,778,286, G>A. VCF-style: chr6-156778286-G-A. GRCh37 (hg19) VCF-style: chr6-157099420-G-A.
Other names: c.357G>A, p.Gln119= (NM_001346813.1, NM_020732.3); c.606G>A, p.Gln202= (NM_001371656.1, NM_001374820.1, NM_017519.3); c.183G>A, p.Gln61= (NM_175863.2).
Identifiers: ClinVar variation 2657052 (VCV002657052.25), dbSNP rs1381953925, ClinGen allele CA452988948.

ClinVar aggregate classification (germline): Likely benign. Review status: criteria provided, multiple submitters, no conflicts (2 of 4 stars). 2 submissions from 2 submitters: Likely benign (2). Last evaluated 2022-11-01.

Allele frequency attached by ClinVar (database versions not stated): gnomAD exomes 0.00001; gnomAD 0.00006.
gnomAD v4.1: 30 of 1,530,320 alleles (0.002%); highest among the groups gnomAD compares: Admixed American, 0.016%; no homozygotes.

Submissions (2):

CeGaT Center for Human Genetics Tuebingen
Classification: Likely benign. Last evaluated: 2022-11-01. Review status: criteria provided, single submitter. Criteria: CeGaT Center For Human Genetics Tuebingen Variant Classification Criteria Version 2. Collection method: clinical testing. Allele origin: germline. Affected: yes. Observed: 1 variant allele.
Comment: ARID1B: BP4, BP7

Blueprint Genetics
Classification: Likely benign. Last evaluated: 2020-08-28. Review status: criteria provided, single submitter. Criteria: ACMG Guidelines, 2015. Collection method: clinical testing. Allele origin: germline.